The following is an entry in ClinVar:

ClinVar aggregate classification (germline): Uncertain significance (1 of 4 stars; one submission).

gnomAD v4.1: 1 of 1,613,918 alleles (0.000062%); highest among the groups gnomAD compares: African/African-American, 0.0013%; no homozygotes.

Submission:

Labcorp Genetics (formerly Invitae), Labcorp
Classification: Uncertain significance. Last evaluated: 2025-12-01. Review status: criteria provided, single submitter. Criteria: Invitae Variant Classification Sherloc (09022015). Collection method: clinical testing. Allele origin: germline.
Comment: This sequence change replaces serine, which is neutral and polar, with threonine, which is neutral and polar, at codon 94 of the TFAM protein (p.Ser94Thr). This variant is not present in population databases (gnomAD no frequency). This variant has not been reported in the literature in individuals affected with TFAM-related conditions. Invitae Evidence Modeling of protein sequence and biophysical properties (such as structural, functional, and spatial information, amino acid conservation, physicochemical variation, residue mobility, and thermodynamic stability) indicates that this missense variant is not expected to disrupt TFAM protein function with a negative predictive value of 80%. In summary, the available evidence is currently insufficient to determine the role of this variant in disease. Therefore, it has been classified as a Variant of Uncertain Significance.

NM_003201.3(TFAM):c.280T>A (p.Ser94Thr)

Gene: TFAM (transcription factor A, mitochondrial; plus strand). Cytogenetic location: 10q21.1.
Variant type: single nucleotide variant.
Coding change: c.280T>A on transcript NM_003201.3 (MANE Select); coding-DNA position 280, T replaced by A.
Protein change: p.Ser94Thr; replaces serine 94 with threonine.
Molecular consequence: missense variant. On other transcripts: non-coding transcript variant (1).
Genome position (GRCh38, 1-based): chr10:58,388,249, T>A. VCF-style: chr10-58388249-T-A. GRCh37 (hg19) VCF-style: chr10-60148009-T-A.
Other names: c.280T>A, p.Ser94Thr (NM_001270782.2); short protein forms S94T.
Identifiers: ClinVar variation 4755015 (VCV004755015.1).